The following is an entry in ClinVar:

ClinVar aggregate classification (germline): Pathogenic (1 of 4 stars; one submission).

Submission:

GeneDx
Classification: Pathogenic. Last evaluated: 2023-03-24. Review status: criteria provided, single submitter. Criteria: GeneDx Variant Classification Process June 2021. Collection method: clinical testing. Allele origin: germline. Affected: yes.
Comment: Nonsense variant predicted to result in protein truncation or nonsense mediated decay in a gene for which loss-of-function is a known mechanism of disease; Not observed in large population cohorts (gnomAD); Has not been previously published as pathogenic or benign to our knowledge

NM_001303052.2(MYT1L):c.1968T>G (p.Tyr656Ter)

Gene: MYT1L (myelin transcription factor 1 like; minus strand). Cytogenetic location: 2p25.3.
Variant type: single nucleotide variant.
Coding change: c.1968T>G on transcript NM_001303052.2 (MANE Select); coding-DNA position 1968, T replaced by G.
Protein change: p.Tyr656Ter; replaces tyrosine 656 with a stop codon.
Molecular consequence: nonsense.
Genome position (GRCh38, 1-based): chr2:1,903,144, A>C on the plus strand (T>G on the coding strand, the complement: MYT1L is on the minus strand). VCF-style: chr2-1903144-A-C. GRCh37 (hg19) VCF-style: chr2-1906916-A-C.
Other names: c.1968T>G, p.Tyr656Ter (NM_001329844.2, NM_001329845.1, NM_001329851.3); c.1962T>G, p.Tyr654Ter (NM_001329846.3, NM_001329847.2, NM_001329848.1 and 3 more transcripts); short protein forms Y654*, Y656*.
Identifiers: ClinVar variation 2497871 (VCV002497871.1), dbSNP rs527880727, ClinGen allele CA1514103.